The following is an entry in ClinVar:

NM_001649.4(SHROOM2):c.4121C>T (p.Pro1374Leu)

Gene: SHROOM2 (shroom family member 2; plus strand). Cytogenetic location: Xp22.2.
Variant type: single nucleotide variant.
Coding change: c.4121C>T on transcript NM_001649.4 (MANE Select); coding-DNA position 4121, C replaced by T.
Protein change: p.Pro1374Leu; replaces proline 1374 with leucine.
Molecular consequence: missense variant.
Genome position (GRCh38, 1-based): chrX:9,937,667, C>T. VCF-style: chrX-9937667-C-T. GRCh37 (hg19) VCF-style: chrX-9905707-C-T.
Other names: c.626C>T, p.Pro209Leu (NM_001320663.2, NM_001320664.2); short protein forms P1374L, P209L.
Identifiers: ClinVar variation 2429010 (VCV002429010.4), dbSNP rs1020474870, ClinGen allele CA412035878.

ClinVar aggregate classification (germline): Uncertain significance (1 of 4 stars; one submission).

gnomAD v4.1: 6 of 1,194,091 alleles (0.0005%); highest among the groups gnomAD compares: Non-Finnish European, 0.00068%; no homozygotes.

Submission:

Greenwood Genetic Center Diagnostic Laboratories, Greenwood Genetic Center
Classification: Uncertain significance. Last evaluated: 2022-11-29. Review status: criteria provided, single submitter. Criteria: ACMG Guidelines, 2015. Collection method: clinical testing. Allele origin: germline. Affected: yes.
Comment: Gene of Uncertain Significance